The following is an entry in ClinVar:

ClinVar aggregate classification (germline): Likely benign (0 of 4 stars; one submission).

Conditions:
PKD1L1-related disorder. Also called: PKD1L1-related condition.

Allele frequency attached by ClinVar (database versions not stated): TOPMed below 0.00001; gnomAD 0.00004; ExAC 0.00012.
gnomAD v4.1: 107 of 1,613,834 alleles (0.0066%); highest among the groups gnomAD compares: South Asian, 0.12%; 1 homozygote.

Submission:

PreventionGenetics, part of Exact Sciences
Classification: Likely benign for PKD1L1-related condition. Last evaluated: 2024-01-30. Review status: no assertion criteria provided. Collection method: clinical testing. Allele origin: germline.
Comment: This variant is classified as likely benign based on ACMG/AMP sequence variant interpretation guidelines (Richards et al. 2015 PMID: 25741868, with internal and published modifications).

NM_138295.5(PKD1L1):c.1248G>A (p.Lys416=)

Gene: PKD1L1 (polycystin 1 like 1, transient receptor potential channel interacting; minus strand). Cytogenetic location: 7p12.3.
Variant type: single nucleotide variant.
Coding change: c.1248G>A on transcript NM_138295.5 (MANE Select); coding-DNA position 1248, G replaced by A.
Protein change: p.Lys416=; no amino-acid change (lysine 416 retained).
Molecular consequence: synonymous variant.
Genome position (GRCh38, 1-based): chr7:47,908,231, C>T on the plus strand (G>A on the coding strand, the complement: PKD1L1 is on the minus strand). VCF-style: chr7-47908231-C-T. GRCh37 (hg19) VCF-style: chr7-47947828-C-T.
Identifiers: ClinVar variation 3030574 (VCV003030574.2), dbSNP rs781607809, ClinGen allele CA4254111.